The following is an entry in ClinVar:

ClinVar aggregate classification (germline): Pathogenic (1 of 4 stars; one submission).

Conditions:
Tuberous sclerosis 1 (TSC1). Identifiers: Orphanet 805, MedGen C1854465, MONDO:0008612, OMIM 191100.

Submission:

Labcorp Genetics (formerly Invitae), Labcorp
Classification: Pathogenic for Tuberous sclerosis 1. Last evaluated: 2018-06-07. Review status: criteria provided, single submitter. Criteria: Invitae Variant Classification Sherloc (09022015). Collection method: clinical testing. Allele origin: germline.
Comment: This sequence change creates a premature translational stop signal (p.Glu31Leufs*14) in the TSC1 gene. It is expected to result in an absent or disrupted protein product. This variant is not present in population databases (ExAC no frequency). Loss-of-function variants in TSC1 are known to be pathogenic (PMID: 10227394, 17304050). For these reasons, this variant has been classified as Pathogenic.

Literature cited by the submitters: PubMed 28762286; PubMed 10227394; PubMed 17304050.

NM_000368.5(TSC1):c.86_90dup (p.Glu31fs)

Gene: TSC1 (TSC complex subunit 1; minus strand). Cytogenetic location: 9q34.13.
Variant type: Duplication.
Coding change: c.86_90dup on transcript NM_000368.5 (MANE Select); coding-DNA positions 86 to 90, 5 bases duplicated (TTAAA; older notation c.86_90dupTTAAA).
Protein change: p.Glu31fs; shifts the reading frame from glutamic acid 31.
Molecular consequence: frameshift variant. On other transcripts: 5 prime UTR variant (1).
Genome position (GRCh38, 1-based): chr9:132,928,783-132,928,787, TTTAA duplicated on the plus strand (TTAAA on the coding strand, the reverse complement: TSC1 is on the minus strand). VCF-style (leftmost placement, unchanged base first): chr9-132928782-C-CTTTAA. GRCh37 (hg19) VCF-style: chr9-135804169-C-CTTTAA.
Other names: c.86_90dupTTAAA (NM_000368.4); c.86_90dup, p.Glu31fs (NM_001162426.2, NM_001162427.2); c.-174_-170dup (NM_001362177.2); short protein forms E31fs.
Identifiers: ClinVar variation 569229 (VCV000569229.7), dbSNP rs1564504869, ClinGen allele CA891843313.